The following is an entry in ClinVar:

NM_018136.5(ASPM):c.1567A>G (p.Ser523Gly)

Gene: ASPM (assembly factor for spindle microtubules; minus strand). Cytogenetic location: 1q31.3.
Variant type: single nucleotide variant.
Coding change: c.1567A>G on transcript NM_018136.5 (MANE Select); coding-DNA position 1567, A replaced by G.
Protein change: p.Ser523Gly; replaces serine 523 with glycine.
Molecular consequence: missense variant.
Genome position (GRCh38, 1-based): chr1:197,142,685, T>C on the plus strand (A>G on the coding strand, the complement: ASPM is on the minus strand). VCF-style: chr1-197142685-T-C. GRCh37 (hg19) VCF-style: chr1-197111815-T-C.
Other names: c.1567A>G, p.Ser523Gly (NM_001206846.2); short protein forms S523G.
Identifiers: ClinVar variation 511843 (VCV000511843.1), dbSNP rs767198870, ClinGen allele CA1310693.

ClinVar aggregate classification (germline): Likely benign (1 of 4 stars; one submission).

Allele frequency attached by ClinVar (database versions not stated): gnomAD 0.00001; gnomAD exomes 0.00001 and 0.00002; ExAC 0.00002; TOPMed 0.00003.
gnomAD v4.1: 18 of 1,613,834 alleles (0.0011%); highest among the groups gnomAD compares: Middle Eastern, 0.016%; no homozygotes.

Submission:

GeneDx
Classification: Likely benign. Last evaluated: 2017-09-11. Review status: criteria provided, single submitter. Criteria: GeneDx Variant Classification (06012015). Collection method: clinical testing. Allele origin: germline. Affected: yes.
Comment: This variant is considered likely benign or benign based on one or more of the following criteria: it is a conservative change, it occurs at a poorly conserved position in the protein, it is predicted to be benign by multiple in silico algorithms, and/or has population frequency not consistent with disease.